The following is an entry in ClinVar:

NM_001614.5(ACTG1):c.921G>A (p.Pro307=)

Gene: ACTG1 (actin gamma 1; minus strand). Cytogenetic location: 17q25.3.
Variant type: single nucleotide variant.
Coding change: c.921G>A on transcript NM_001614.5 (MANE Select); coding-DNA position 921, G replaced by A.
Protein change: p.Pro307=; no amino-acid change (proline 307 retained).
Molecular consequence: synonymous variant. On other transcripts: non-coding transcript variant (1).
Genome position (GRCh38, 1-based): chr17:81,510,990, C>T on the plus strand (G>A on the coding strand, the complement: ACTG1 is on the minus strand). VCF-style: chr17-81510990-C-T. GRCh37 (hg19) VCF-style: chr17-79478016-C-T.
Other names: c.921G>A (NM_001614.3); c.921G>A, p.Pro307= (NM_001199954.3).
Identifiers: ClinVar variation 1397596 (VCV001397596.7), dbSNP rs782215635, ClinGen allele CA8835902.

ClinVar aggregate classification (germline): Likely benign. Review status: criteria provided, multiple submitters, no conflicts (2 of 4 stars). 2 submissions from 2 submitters: Likely benign (2). Last evaluated 2026-09-22.

Conditions:
ACTG1-related disorder. Also called: ACTG1-related disorders; ACTG1-related condition.
Autosomal dominant nonsyndromic hearing loss 20. Identifiers: Orphanet 90635, MedGen C1858172, MONDO:0011480, OMIM 604717.
Baraitser-winter syndrome 2. Identifiers: Orphanet 2995, MedGen C3281235, MONDO:0013812, OMIM 614583.

Allele frequency attached by ClinVar (database versions not stated): gnomAD exomes 0.00003; TOPMed 0.00003; ExAC 0.00005.
gnomAD v4.1: 33 of 1,613,934 alleles (0.002%); highest among the groups gnomAD compares: Admixed American, 0.015%; no homozygotes.

Submissions (2):

PreventionGenetics, part of Exact Sciences
Classification: Likely benign for ACTG1-related condition. Last evaluated: 2026-09-22. Review status: criteria provided, single submitter. Criteria: ACMG Guidelines, 2015. Collection method: clinical testing. Allele origin: germline.
Comment: This variant is classified as likely benign based on ACMG/AMP sequence variant interpretation guidelines (Richards et al. 2015 PMID: 25741868, with internal and published modifications).

Labcorp Genetics (formerly Invitae), Labcorp
Classification: Likely benign for Baraitser-winter syndrome 2; Autosomal dominant nonsyndromic hearing loss 20. Last evaluated: 2025-10-17. Review status: criteria provided, single submitter. Criteria: Invitae Variant Classification Sherloc (09022015). Collection method: clinical testing. Allele origin: germline.